The following is an entry in ClinVar:

ClinVar aggregate classification (germline): Likely pathogenic (1 of 4 stars; one submission).

Conditions:
Nemaline myopathy 2 (NEM2). Also called: Nemaline myopathy 2, autosomal recessive. Identifiers: MedGen C1850569, MONDO:0009725, OMIM 256030.

Submission:

Institute of Immunology and Genetics Kaiserslautern
Classification: Likely pathogenic for Nemaline myopathy 2. Last evaluated: 2024-04-25. Review status: criteria provided, single submitter. Criteria: ACMG Guidelines, 2015. Collection method: clinical testing. Allele origin: germline. Affected: yes.
Comment: ACMG Criteria: PM2, PP3 und PVS1_S; Variant was found in heterozygous state

NM_001164508.2(NEB):c.5970+4A>G

Gene: NEB (nebulin; minus strand). Cytogenetic location: 2q23.3.
Variant type: single nucleotide variant.
Coding change: c.5970+4A>G on transcript NM_001164508.2 (MANE Select); 4 bases into the intron after coding-DNA position 5970, A replaced by G.
Molecular consequence: intron variant.
Genome position (GRCh38, 1-based): chr2:151,662,131, T>C on the plus strand (A>G on the coding strand, the complement: NEB is on the minus strand). VCF-style: chr2-151662131-T-C. GRCh37 (hg19) VCF-style: chr2-152518645-T-C.
Other names: c.5970+4A>G (NM_004543.5, NM_001164507.2, NM_001271208.2).
Identifiers: ClinVar variation 3235077 (VCV003235077.1), dbSNP rs2099156375, ClinGen allele CA645527800.